The following is an entry in ClinVar:

ClinVar aggregate classification (germline): Conflicting classifications of pathogenicity. Review status: criteria provided, conflicting classifications (1 of 4 stars). 3 submissions from 3 submitters: Uncertain significance (1); Likely benign (2). Last evaluated 2024-07-16.

Allele frequency attached by ClinVar (database versions not stated): gnomAD exomes 0.00007 and 0.00013; TOPMed 0.00008; ExAC 0.00009; gnomAD 0.00004 and 0.00005.

Submissions (3):

GeneDx
Classification: Uncertain significance. Last evaluated: 2024-07-16. Review status: criteria provided, single submitter. Criteria: GeneDx Variant Classification Process June 2021. Collection method: clinical testing. Allele origin: germline. Affected: yes.
Comment: In silico analysis indicates that this missense variant does not alter protein structure/function; Identified in cohorts of patients with reported myocardial infarction, hypertriglyceridemia, and/or hypercholesterolemia in the published literature (PMID: 25487149, 32041611); This variant is associated with the following publications: (PMID: 32041611, 36325899, 25487149, 38117614)

Labcorp Genetics (formerly Invitae), Labcorp
Classification: Likely benign. Last evaluated: 2024-05-07. Review status: criteria provided, single submitter. Criteria: Invitae Variant Classification Sherloc (09022015). Collection method: clinical testing. Allele origin: germline.

Women's Health and Genetics/Laboratory Corporation of America, LabCorp
Classification: Likely benign. Last evaluated: 2024-03-05. Review status: criteria provided, single submitter. Criteria: LabCorp Variant Classification Summary - May 2015. Collection method: clinical testing. Allele origin: germline.
Comment: Variant summary: APOA5 c.875C>T (p.Thr292Ile) results in a non-conservative amino acid change in the encoded protein sequence. Three of five in-silico tools predict a damaging effect of the variant on protein function. The variant allele was found at a frequency of 7.4e-05 in 1613790 control chromosomes (gnomAD). The observed variant frequency is approximately 4 fold of the estimated maximal expected allele frequency for a pathogenic variant in APOA5 causing Early Onset Coronary Artery Disease phenotype (2e-05), strongly suggesting that the variant is benign. ClinVar contains an entry for this variant (Variation ID: 1700404). Based on the evidence outlined above, the variant was classified as likely benign.

NM_001371904.1(APOA5):c.875C>T (p.Thr292Ile)

Gene: APOA5 (apolipoprotein A5; minus strand). Cytogenetic location: 11q23.3.
Variant type: single nucleotide variant.
Coding change: c.875C>T on transcript NM_001371904.1 (MANE Select); coding-DNA position 875, C replaced by T.
Protein change: p.Thr292Ile; replaces threonine 292 with isoleucine.
Molecular consequence: missense variant.
Genome position (GRCh38, 1-based): chr11:116,790,354, G>A on the plus strand (C>T on the coding strand, the complement: APOA5 is on the minus strand). VCF-style: chr11-116790354-G-A. GRCh37 (hg19) VCF-style: chr11-116661070-G-A.
Other names: c.875C>T, p.Thr292Ile (NM_001166598.2, NM_052968.5); short protein forms T292I.
Identifiers: ClinVar variation 1700404 (VCV001700404.11), dbSNP rs34832733, ClinGen allele CA6288969.